The following is an entry in ClinVar:

ClinVar aggregate classification (germline): Pathogenic. Review status: criteria provided, multiple submitters, no conflicts (2 of 4 stars). 3 submissions from 3 submitters: Pathogenic (2). 1 of the submissions does not count toward it. Last evaluated 2024-03-04.

Conditions:
Polycystic kidney disease, adult type (PKD1). Also called: Polycystic Kidney Disease 1, Autosomal Dominant; Polycystic kidney disease 1; Polycystic kidney disease 1, severe; Polycystic Kidney, Autosomal Dominant; POLYCYSTIC KIDNEY DISEASE, ADULT, TYPE I; POLYCYSTIC KIDNEY DISEASE 1 WITH OR WITHOUT POLYCYSTIC LIVER DISEASE. Identifiers: MedGen C3149841, MONDO:0008263, OMIM 173900.

Submissions (3):

Fulgent Genetics
Classification: Pathogenic for Polycystic kidney disease, adult type. Last evaluated: 2024-03-04. Review status: criteria provided, single submitter. Criteria: ACMG Guidelines, 2015. Collection method: clinical testing. Allele origin: germline.

Juno Genomics, Hangzhou Juno Genomics, Inc
Classification: Pathogenic for Polycystic kidney disease, adult type. Review status: criteria provided, single submitter. Criteria: ACMG Guidelines, 2015. Collection method: clinical testing. Allele origin: germline. Affected: yes.
Comment: Null variant in a gene where loss of function (LOF) is a known mechanism of disease.;Absent from controls (or at extremely low frequency if recessive) in Genome Aggregation Database, Exome Sequencing Project, 1000 Genomes Project, or Exome Aggregation Consortium.;Patient's phenotype or family history is highly specific for a disease with a single genetic etiology.;The prevalence of the variant in affected individuals is significantly increased compared to the prevalence in controls.

OMIM
Classification: Pathogenic for POLYCYSTIC KIDNEY DISEASE 1. Last evaluated: 1999-07-01. Review status: no assertion criteria provided. Collection method: literature only. Allele origin: germline. Not counted in ClinVar's aggregate classification.

Literature cited by the submitters: PubMed 10364515 (cited by OMIM).

NM_001009944.3(PKD1):c.5764C>T (p.Gln1922Ter)

Gene: PKD1 (polycystin 1, transient receptor potential channel interacting; minus strand). Cytogenetic location: 16p13.3.
Variant type: single nucleotide variant.
Coding change: c.5764C>T on transcript NM_001009944.3 (MANE Select); coding-DNA position 5764, C replaced by T.
Protein change: p.Gln1922Ter; replaces glutamine 1922 with a stop codon.
Molecular consequence: nonsense.
Genome position (GRCh38, 1-based): chr16:2,109,403, G>A on the plus strand (C>T on the coding strand, the complement: PKD1 is on the minus strand). VCF-style: chr16-2109403-G-A. GRCh37 (hg19) VCF-style: chr16-2159404-G-A.
Other names: c.5764C>T, p.Gln1922Ter (NM_000296.4); short protein forms Q1922*.
Identifiers: ClinVar variation 8207 (VCV000008207.5), dbSNP rs199476101, ClinGen allele CA119383.
Genomic context (GRCh38, chr16:2,109,403, plus strand): 5'-GGGGGAAGCTGTGGGAGAAACGGGGCCCGGGGAGCACCTCGGGGTTGGCCCCGCCGACCT[G>A]CAGGCGGAAGGTGACAGCTGAGCCGGCAGCCAGCAGGATCTGAAAATGGACCAGCTGCCC-3'